The following is an entry in ClinVar:

ClinVar aggregate classification (germline): Uncertain significance (1 of 4 stars; one submission).

Submission:

Labcorp Genetics (formerly Invitae), Labcorp
Classification: Uncertain significance. Last evaluated: 2024-11-18. Review status: criteria provided, single submitter. Criteria: Invitae Variant Classification Sherloc (09022015). Collection method: clinical testing. Allele origin: germline.
Comment: This sequence change replaces lysine, which is basic and polar, with arginine, which is basic and polar, at codon 148 of the BCAP31 protein (p.Lys148Arg). This variant is present in population databases (no rsID available, gnomAD 0.001%). This variant has not been reported in the literature in individuals affected with BCAP31-related conditions. An algorithm developed to predict the effect of missense changes on protein structure and function (PolyPhen-2) suggests that this variant is likely to be tolerated. In summary, the available evidence is currently insufficient to determine the role of this variant in disease. Therefore, it has been classified as a Variant of Uncertain Significance.

NM_001256447.2(BCAP31):c.443A>G (p.Lys148Arg)

Gene: BCAP31 (B cell receptor associated protein 31; minus strand). Cytogenetic location: Xq28.
Variant type: single nucleotide variant.
Coding change: c.443A>G on transcript NM_001256447.2 (MANE Select); coding-DNA position 443, A replaced by G.
Protein change: p.Lys148Arg; replaces lysine 148 with arginine.
Molecular consequence: missense variant.
Genome position (GRCh38, 1-based): chrX:153,703,993, T>C on the plus strand (A>G on the coding strand, the complement: BCAP31 is on the minus strand). VCF-style: chrX-153703993-T-C. GRCh37 (hg19) VCF-style: chrX-152969448-T-C.
Other names: c.443A>G, p.Lys148Arg (NM_001139441.1, NM_005745.8); c.644A>G, p.Lys215Arg (NM_001139457.2); short protein forms K215R, K148R.
Identifiers: ClinVar variation 3696464 (VCV003696464.2).
Genomic context (GRCh38, chrX:153,703,993, plus strand): 5'-ATGGTGGGTCGGGAAGCTGGGCTCACCTTCTTGAGCTGGTCATTCTCCTCCATGTACTTC[T>C]TGGCCGCCTCACTAGCACTCTCCGCCTGCTTTTTAAAGGCTTCATTGGAGGCCAGCAGCG-3'
Protein context (NP_001243376.1, residues 138-158): KQAESASEAA[Lys148Arg]KYMEENDQLK